The following is an entry in ClinVar:

NM_007294.4(BRCA1):c.5346G>A (p.Trp1782Ter)

Gene: BRCA1 (BRCA1 DNA repair associated; minus strand). Cytogenetic location: 17q21.31.
Variant type: single nucleotide variant.
Coding change: c.5346G>A on transcript NM_007294.4 (MANE Select); coding-DNA position 5346, G replaced by A.
Protein change: p.Trp1782Ter; replaces tryptophan 1782 with a stop codon.
Molecular consequence: nonsense. On other transcripts: non-coding transcript variant (1), intron variant (1).
Genome position (GRCh38, 1-based): chr17:43,049,181, C>T on the plus strand (G>A on the coding strand, the complement: BRCA1 is on the minus strand). VCF-style: chr17-43049181-C-T. GRCh37 (hg19) VCF-style: chr17-41201198-C-T.
Other names: 5465G>A; c.5133G>A, p.Trp1711Ter (NM_001407571.1, NM_001407894.1, NM_001407895.1 and 12 more transcripts); c.5412G>A, p.Trp1804Ter (NM_001407581.1, NM_001407582.1); c.5409G>A, p.Trp1803Ter (NM_001407583.1, NM_001407585.1, NM_001407587.1 and 1 more transcripts); c.5406G>A, p.Trp1802Ter (NM_001407590.1, NM_001407591.1); c.5346G>A, p.Trp1782Ter (NM_001407593.1, NM_001407594.1, NM_001407596.1 and 5 more transcripts); c.5343G>A, p.Trp1781Ter (NM_001407610.1, NM_001407611.1, NM_001407612.1 and 14 more transcripts); c.5340G>A, p.Trp1780Ter (NM_001407627.1, NM_001407628.1, NM_001407629.1 and 13 more transcripts); and 74 more; short protein forms W1782*, W678*, W1803*, W1735*, W1485*, W1671*, W1714*, W1733*.
Identifiers: ClinVar variation 37658 (VCV000037658.44), dbSNP rs80357284, ClinGen allele CA003514.

ClinVar aggregate classification (germline): Pathogenic. Review status: reviewed by expert panel (3 of 4 stars). 22 submissions from 22 submitters: Pathogenic (1). 21 of the submissions do not count toward it. Last evaluated 2016-09-08.

Conditions:
Hereditary cancer-predisposing syndrome. Also called: Tumor predisposition; Neoplastic Syndromes, Hereditary; Hereditary Cancer Syndrome; Hereditary neoplastic syndrome. Identifiers: Orphanet 140162, MedGen C0027672, MeSH D009386, MONDO:0015356.
Hereditary breast ovarian cancer syndrome. Also called: Hereditary breast and ovarian cancer syndrome (HBOC); Hereditary breast and ovarian cancer syndrome; Hereditary breast and ovarian cancer; Hereditary breast and/or ovarian cancer syndrome; Breast and ovarian cancer; BRCA1- and BRCA2-Associated Hereditary Breast and Ovarian Cancer. Identifiers: Orphanet 145, MedGen C0677776, MeSH D061325, MONDO:0003582. Disease mechanism: loss of function.
Breast-ovarian cancer, familial, susceptibility to, 1 (BROVCA1). Also called: OVARIAN CANCER, SUSCEPTIBILITY TO; BRCA1 Hereditary Breast and Ovarian Cancer. Identifiers: Orphanet 145, MedGen C2676676, MONDO:0011450, OMIM 604370. Disease mechanism: loss of function.
Malignant tumor of breast. Also called: Malignant breast neoplasm; Cancer breast. Identifiers: MedGen C0006142, MONDO:0007254. Disease mechanism: loss of function.

Allele frequency attached by ClinVar (database versions not stated): gnomAD exomes below 0.00001.
gnomAD v4.1: 1 of 1,614,142 alleles (0.000062%); highest among the groups gnomAD compares: Admixed American, 0.0017%; no homozygotes.

Submissions 1 to 8 of 23:

Evidence-based Network for the Interpretation of Germline Mutant Alleles (ENIGMA)
Classification: Pathogenic for Breast-ovarian cancer, familial, susceptibility to, 1. Last evaluated: 2016-09-08. Review status: reviewed by expert panel. Criteria: ENIGMA BRCA1/2 Classification Criteria (2015). Collection method: curation. Allele origin: germline.
Comment: Variant allele predicted to encode a truncated non-functional protein.

Labcorp Genetics (formerly Invitae), Labcorp
Classification: Pathogenic for Hereditary breast ovarian cancer syndrome. Last evaluated: 2025-11-22. Review status: criteria provided, single submitter. Criteria: Invitae Variant Classification Sherloc (09022015). Collection method: clinical testing. Allele origin: germline. Not counted in ClinVar's aggregate classification.
Comment: This sequence change creates a premature translational stop signal (p.Trp1782*) in the BRCA1 gene. It is expected to result in an absent or disrupted protein product. Loss-of-function variants in BRCA1 are known to be pathogenic (PMID: 20104584). This variant is not present in population databases (gnomAD no frequency). This premature translational stop signal has been observed in individual(s) with personal or family history of breast and/or ovarian cancer (PMID: 9362443, 12673801, 12960223, 16683254, 18489799, 19949876, 25330149). ClinVar contains an entry for this variant (Variation ID: 37658). For these reasons, this variant has been classified as Pathogenic.

Institute of Human Genetics, University of Leipzig Medical Center
Classification: Pathogenic for Breast-ovarian cancer, familial, susceptibility to, 1. Last evaluated: 2025-11-18. Review status: criteria provided, single submitter. Criteria: ACMG Guidelines, 2015. Collection method: clinical testing. Allele origin: unknown. Inheritance: Autosomal dominant inheritance. Affected: yes. Not counted in ClinVar's aggregate classification.
Comment: Criteria applied: PVS1,PM5_STR,PM2_SUP

OLLIN Analises Genomicas, OLLIN
Classification: Pathogenic for Breast-ovarian cancer, familial, susceptibility to, 1. Last evaluated: 2025-01-10. Review status: criteria provided, single submitter. Criteria: ACMG Guidelines 2015 PMID 25741868. Collection method: clinical testing. Allele origin: germline. Affected: yes. Observed: 1 variant allele. Not counted in ClinVar's aggregate classification.
Comment: The nonsense variant (chr17:43049181 C>T), located in exon 21 (of 23), is reported in ClinVar (VCV001747461.5) and gnomAD v4.1 non-UKB with an allele frequency of 0.0001%, and described in the scientific literature in individuals with breast cancer (PMID: 11972384, 11773283, 19949876, 24240112, 16287141, 25330149, 30209399). This variant introduces a premature stop codon, resulting in a truncated protein or mRNA degradation via nonsense-mediated decay (NMD). According to the currently available evidence and the specific interpretation and classification criteria for the ClinGen gene (PMID: 39142283), this variant has been classified as pathogenic (PVS1, PS4, PM2_P).

Dasa
Classification: Pathogenic for Breast-ovarian cancer, familial, susceptibility to, 1. Last evaluated: 2024-12-11. Review status: criteria provided, single submitter. Criteria: DASA Assertion Criteria. Collection method: clinical testing. Allele origin: germline. Not counted in ClinVar's aggregate classification.
Comment: NM_007294.4(BRCA1):c.5346G>A (p.Trp1782Ter) introduces a premature termination codon predicted to result in loss of normal protein function. Loss-of-function is an established mechanism of disease for this gene. The affected residue or protein region has prior evidence supporting clinical relevance. Functional evidence supports a deleterious effect on the gene or gene product (PMID: 30209399). This variant has been reported in individuals with Breast-ovarian cancer, familial, susceptibility to, 1 (PMID: 30209399). The variant is present at low frequency in population datasets. Based on the available data, this variant is classified as pathogenic.

Ambry Genetics
Classification: Pathogenic for Hereditary cancer-predisposing syndrome. Last evaluated: 2024-07-10. Review status: criteria provided, single submitter. Criteria: Ambry Variant Classification Scheme 2023. Collection method: clinical testing. Allele origin: germline. Not counted in ClinVar's aggregate classification.
Comment: The p.W1782* pathogenic mutation (also known as c.5346G>A), located in coding exon 20 of the BRCA1 gene, results from a G to A substitution at nucleotide position 5346. This changes the amino acid from a tryptophan to a stop codon within coding exon 20. This mutation has been reported in Polish and Czech families diagnosed with breast and/or ovarian cancer (Sobczak K et al. Oncogene. 1997 Oct;15:1773-9; Machackova E et al. BMC Cancer. 2008 May;8:140; Rogoa-Janiszewska E et al. Cancers (Basel). 2020 Aug;12:). One functional study found that this nucleotide substitution is non-functional in a high-throughput, genome editing, haploid cell survival assay (Findlay GM et al. Nature. 2018 10;562:217-222). Of note, this alteration is also designated as 5465G>A in some published literature. This variant is considered to be rare based on population cohorts in the Genome Aggregation Database (gnomAD). In addition to the clinical data presented in the literature, this alteration is expected to result in loss of function by premature protein truncation or nonsense-mediated mRNA decay. As such, this alteration is interpreted as a disease-causing mutation.

All of Us Research Program, National Institutes of Health
Classification: Pathogenic for Breast-ovarian cancer, familial, susceptibility to, 1. Last evaluated: 2023-12-06. Review status: criteria provided, single submitter. Criteria: ACMG Guidelines, 2015. Collection method: clinical testing. Allele origin: germline. Inheritance: Autosomal dominant inheritance. Observed: 1 variant allele, 1 heterozygote. Not counted in ClinVar's aggregate classification.
Comment: The c.5346G>A (p.Trp1782*) variant in the BRCA1 gene creates an premature translation termination codon. It is expected to result in an absent or disrupted protein product. This variant has been reported in multiple individuals with breast and/or ovarian cancer (PMID: 9362443, 11773283, 12673801, 12960223, 16287141, 16683254, 18489799, 19949876, 25330149, 32824581). This variant has not been identified in the general population by the Genome Aggregation Database (gnomAD). This variant is reported in ClinVar (ID: 37658). Truncating variants in BRCA1 are known to be pathogenic (PMID: 21989022, 17661172, 22762150). Therefore the c.5346G>A (p.Trp1782*) variant of the BRCA1 gene is classified as pathogenic.

This study involves interpretation of variants in research participants for the purpose of population health screening. Participant phenotype was not available at the time of variant classification. Additional details can be found in publication PMID: 35346344, PMCID: PMC8962531

Baylor Genetics
Classification: Pathogenic for Breast-ovarian cancer, familial, susceptibility to, 1. Last evaluated: 2023-07-24. Review status: criteria provided, single submitter. Criteria: ACMG Guidelines, 2015. Collection method: clinical testing. Allele origin: unknown. Not counted in ClinVar's aggregate classification.